The following is an entry in ClinVar:

ClinVar aggregate classification (germline): Uncertain significance. Review status: criteria provided, multiple submitters, no conflicts (2 of 4 stars). 3 submissions from 3 submitters: Uncertain significance (3). Last evaluated 2021-07-15.

Conditions:
Developmental and epileptic encephalopathy, 5 (DEE5). Identifiers: Orphanet 3451, MedGen C3150731, MONDO:0013277, OMIM 613477.

Allele frequency attached by ClinVar (database versions not stated): gnomAD exomes 0.00001 and 0.00002; ExAC 0.00002.
gnomAD v4.1: 23 of 1,614,114 alleles (0.0014%); highest among the groups gnomAD compares: Middle Eastern, 0.033%; no homozygotes.

Submissions (3):

Genome-Nilou Lab
Classification: Uncertain significance for Developmental and epileptic encephalopathy, 5. Last evaluated: 2021-07-15. Review status: criteria provided, single submitter. Criteria: ACMG Guidelines, 2015. Collection method: clinical testing. Allele origin: germline. Affected: no.

Dubai Health Genomic Medicine Center, Dubai Health
Classification: Uncertain significance. Last evaluated: 2020-09-24. Review status: criteria provided, single submitter. Criteria: ACMG Guidelines, 2015. Collection method: clinical testing. Allele origin: germline. Affected: yes.
Comment: The p.Gly1120Arg missense variant in SPTAN1 has not been previously reported in affected individuals but was identified 3/251406 (0.0012% 0 homozygotes) total alleles in the Genome Aggregation Database (gnomAD). This variant was classified as of uncertain clinical significance by another clinical laboratory (ClinVar ID: 449247). Computational prediction tools and conservation analysis suggest an impact to protein function however this information is not predictive enough to confirm pathogenicity. In summary more information is needed to fully assess the clinical significance of this variant.

GeneDx
Classification: Uncertain significance. Last evaluated: 2015-09-09. Review status: criteria provided, single submitter. Criteria: GeneDx Variant Classification (06012015). Collection method: clinical testing. Allele origin: germline. Affected: yes.
Comment: A variant of unknown significance has been identified in the SPTAN1 gene. The G1120R variant has not been published as a pathogenic variant, nor has it been reported as a benign variant to our knowledge. It was not observed in approximately 6,500 individuals of European and African American ancestry in the NHLBI Exome Sequencing Project, indicating it is not a common benign variant in these populations. The G1120R variant is a non-conservative amino acid substitution, which is likely to impact secondary protein structure as these residues differ in polarity, charge, size, and/or other properties. Additionally, this substitution occurs at a position that is conserved across species, and in silico analysis predicts this variant is probably damaging to the protein structure/function. However, previously reported pathogenic variants in SPTAN1 include in-frame deletions or duplications located within the last four spectrin repeats of the protein, which are essential for dimerization (Saitsu et al., 2010), and the G1120 residue is outside this region. Therefore, based on the currently available information, it is unclear whether this variant is a pathogenic variant or a rare benign variant.

NM_001130438.3(SPTAN1):c.3358G>A (p.Gly1120Arg)

Gene: SPTAN1 (spectrin alpha, non-erythrocytic 1; plus strand). Cytogenetic location: 9q34.11.
Variant type: single nucleotide variant.
Coding change: c.3358G>A on transcript NM_001130438.3 (MANE Select); coding-DNA position 3358, G replaced by A.
Protein change: p.Gly1120Arg; replaces glycine 1120 with arginine.
Molecular consequence: missense variant.
Genome position (GRCh38, 1-based): chr9:128,594,317, G>A. VCF-style: chr9-128594317-G-A. GRCh37 (hg19) VCF-style: chr9-131356596-G-A.
Other names: c.3298G>A, p.Gly1100Arg (NM_001195532.2, NM_001363765.2); c.3358G>A, p.Gly1120Arg (NM_001363759.2, NM_003127.4); short protein forms G1120R, G1100R.
Identifiers: ClinVar variation 449247 (VCV000449247.6), dbSNP rs748698544, ClinGen allele CA5264905.